The following is an entry in ClinVar:

NM_022835.3(PLEKHG2):c.2929C>T (p.His977Tyr)

Gene: PLEKHG2 (pleckstrin homology and RhoGEF domain containing G2; plus strand). Cytogenetic location: 19q13.2.
Variant type: single nucleotide variant.
Coding change: c.2929C>T on transcript NM_022835.3 (MANE Select); coding-DNA position 2929, C replaced by T.
Protein change: p.His977Tyr; replaces histidine 977 with tyrosine.
Molecular consequence: missense variant. On other transcripts: intron variant (1).
Genome position (GRCh38, 1-based): chr19:39,424,062, C>T. VCF-style: chr19-39424062-C-T. GRCh37 (hg19) VCF-style: chr19-39914702-C-T.
Other names: c.2752C>T, p.His918Tyr (NM_001351693.2); c.1678-1176C>T (NM_001351694.2); short protein forms H918Y, H977Y.
Identifiers: ClinVar variation 2060890 (VCV002060890.4), dbSNP rs2514459933, ClinGen allele CA405802511.

ClinVar aggregate classification (germline): Uncertain significance (1 of 4 stars; one submission).

Submission:

Labcorp Genetics (formerly Invitae), Labcorp
Classification: Uncertain significance. Last evaluated: 2024-05-15. Review status: criteria provided, single submitter. Criteria: Invitae Variant Classification Sherloc (09022015). Collection method: clinical testing. Allele origin: germline.
Comment: This sequence change replaces histidine, which is basic and polar, with tyrosine, which is neutral and polar, at codon 977 of the PLEKHG2 protein (p.His977Tyr). This variant is not present in population databases (gnomAD no frequency). This variant has not been reported in the literature in individuals affected with PLEKHG2-related conditions. ClinVar contains an entry for this variant (Variation ID: 2060890). An algorithm developed to predict the effect of missense changes on protein structure and function (PolyPhen-2) suggests that this variant is likely to be disruptive. In summary, the available evidence is currently insufficient to determine the role of this variant in disease. Therefore, it has been classified as a Variant of Uncertain Significance.